The following is an entry in ClinVar:

NM_000147.5(FUCA1):c.524+5G>A

Genes: FUCA1 (alpha-L-fucosidase 1; minus strand), LOC126805661 (BRD4-independent group 4 enhancer GRCh37_chr1:24191742-24192941; plus strand). Cytogenetic location: 1p36.11.
Variant type: single nucleotide variant.
Coding change: c.524+5G>A on transcript NM_000147.5 (MANE Select); 5 bases into the intron after coding-DNA position 524, G replaced by A.
Molecular consequence: intron variant.
Genome position (GRCh38, 1-based): chr1:23,865,486, C>T on the plus strand (G>A on the coding strand, the complement: FUCA1 is on the minus strand). VCF-style: chr1-23865486-C-T. GRCh37 (hg19) VCF-style: chr1-24191976-C-T.
Identifiers: ClinVar variation 3063871 (VCV003063871.1), dbSNP rs544803192, ClinGen allele CA19281528.

ClinVar aggregate classification (germline): Uncertain significance (1 of 4 stars; one submission).

Allele frequency attached by ClinVar (database versions not stated): gnomAD 0.00001; TOPMed 0.00001; gnomAD exomes 0.00002.
gnomAD v4.1: 10 of 1,614,068 alleles (0.00062%); highest among the groups gnomAD compares: Non-Finnish European, 0.00085%; no homozygotes.

Submission:

Women's Health and Genetics/Laboratory Corporation of America, LabCorp
Classification: Uncertain significance. Last evaluated: 2024-01-12. Review status: criteria provided, single submitter. Criteria: LabCorp Variant Classification Summary - May 2015. Collection method: clinical testing. Allele origin: germline.
Comment: Variant summary: FUCA1 c.524+5G>A alters a conserved nucleotide located close to a canonical splice site and therefore could affect mRNA splicing, leading to a significantly altered protein sequence. Several computational tools predict a significant impact on normal splicing: Four predict the variant weakens a canonical 5' splicing donor site. However, these predictions have yet to be confirmed by functional studies. The variant allele was found at a frequency of 4e-06 in 251482 control chromosomes (gnomAD). The available data on variant occurrences in the general population are insufficient to allow any conclusion about variant significance. To our knowledge, no occurrence of c.524+5G>A in individuals affected with Fucosidosis and no experimental evidence demonstrating its impact on protein function have been reported. No submitters have cited clinical-significance assessments for this variant to ClinVar. Based on the evidence outlined above, the variant was classified as uncertain significance.